The following is an entry in ClinVar:

NM_020433.5(JPH2):c.620A>G (p.Asn207Ser)

Gene: JPH2 (junctophilin 2; minus strand). Cytogenetic location: 20q13.12.
Variant type: single nucleotide variant.
Coding change: c.620A>G on transcript NM_020433.5 (MANE Select); coding-DNA position 620, A replaced by G.
Protein change: p.Asn207Ser; replaces asparagine 207 with serine.
Molecular consequence: missense variant.
Genome position (GRCh38, 1-based): chr20:44,160,167, T>C on the plus strand (A>G on the coding strand, the complement: JPH2 is on the minus strand). VCF-style: chr20-44160167-T-C. GRCh37 (hg19) VCF-style: chr20-42788807-T-C.
Other names: short protein forms N207S.
Identifiers: ClinVar variation 454470 (VCV000454470.14), dbSNP rs976272461, ClinGen allele CA314629692.

ClinVar aggregate classification (germline): Conflicting classifications of pathogenicity. Review status: criteria provided, conflicting classifications (1 of 4 stars). 4 submissions from 4 submitters: Uncertain significance (3); Likely benign (1). Last evaluated 2025-12-16.

Conditions:
Hypertrophic cardiomyopathy 17. Identifiers: MedGen C3151264, MONDO:0013474, OMIM 613873.
Cardiomyopathy, dilated, 2E. Identifiers: MedGen C5561970, MONDO:0030366, OMIM 619492.
Cardiovascular phenotype. Identifiers: MedGen CN230736.
Hypertrophic cardiomyopathy. Also called: HYPERTROPHIC MYOCARDIOPATHY. Identifiers: Orphanet 217569, MedGen C0007194, MeSH D002312, MONDO:0005045, HP:0001639.

Allele frequency attached by ClinVar (database versions not stated): gnomAD exomes below 0.00001 and 0.00004; gnomAD 0.00001; TOPMed 0.00005.
gnomAD v4.1: 16 of 1,424,314 alleles (0.0011%); highest among the groups gnomAD compares: East Asian, 0.017%; no homozygotes.

Submissions (4):

Labcorp Genetics (formerly Invitae), Labcorp
Classification: Uncertain significance for Hypertrophic cardiomyopathy. Last evaluated: 2025-12-16. Review status: criteria provided, single submitter. Criteria: Invitae Variant Classification Sherloc (09022015). Collection method: clinical testing. Allele origin: germline.
Comment: This sequence change replaces asparagine, which is neutral and polar, with serine, which is neutral and polar, at codon 207 of the JPH2 protein (p.Asn207Ser). This variant is present in population databases (no rsID available, gnomAD 0.04%). This variant has not been reported in the literature in individuals affected with JPH2-related conditions. ClinVar contains an entry for this variant (Variation ID: 454470). An algorithm developed to predict the effect of missense changes on protein structure and function (PolyPhen-2) suggests that this variant is likely to be tolerated. In summary, the available evidence is currently insufficient to determine the role of this variant in disease. Therefore, it has been classified as a Variant of Uncertain Significance.

GeneDx
Classification: Uncertain significance. Last evaluated: 2025-08-05. Review status: criteria provided, single submitter. Criteria: GeneDx Variant Classification Process June 2021. Collection method: clinical testing. Allele origin: germline. Affected: yes.
Comment: In silico analysis suggests that this missense variant does not alter protein structure/function; Has not been previously published as pathogenic or benign to our knowledge

Ambry Genetics
Classification: Likely benign for Cardiovascular phenotype. Last evaluated: 2025-01-25. Review status: criteria provided, single submitter. Criteria: Ambry Variant Classification Scheme 2023. Collection method: clinical testing. Allele origin: germline.

Fulgent Genetics
Classification: Uncertain significance for Hypertrophic cardiomyopathy 17; Cardiomyopathy, dilated, 2E. Last evaluated: 2021-08-13. Review status: criteria provided, single submitter. Criteria: ACMG Guidelines, 2015. Collection method: clinical testing. Allele origin: unknown.